The following is an entry in ClinVar:

NM_033026.6(PCLO):c.14114A>G (p.Asp4705Gly)

Gene: PCLO (piccolo presynaptic cytomatrix protein; minus strand). Cytogenetic location: 7q21.11.
Variant type: single nucleotide variant.
Coding change: c.14114A>G on transcript NM_033026.6 (MANE Select); coding-DNA position 14114, A replaced by G.
Protein change: p.Asp4705Gly; replaces aspartic acid 4705 with glycine.
Molecular consequence: missense variant.
Genome position (GRCh38, 1-based): chr7:82,838,326, T>C on the plus strand (A>G on the coding strand, the complement: PCLO is on the minus strand). VCF-style: chr7-82838326-T-C. GRCh37 (hg19) VCF-style: chr7-82467642-T-C.
Other names: c.14114A>G, p.Asp4705Gly (NM_014510.3); short protein forms D4705G.
Identifiers: ClinVar variation 2002932 (VCV002002932.4), dbSNP rs2535305613, ClinGen allele CA367878479.

ClinVar aggregate classification (germline): Uncertain significance (1 of 4 stars; one submission).

Submission:

Labcorp Genetics (formerly Invitae), Labcorp
Classification: Uncertain significance. Last evaluated: 2022-06-07. Review status: criteria provided, single submitter. Criteria: Invitae Variant Classification Sherloc (09022015). Collection method: clinical testing. Allele origin: germline.
Comment: This sequence change replaces aspartic acid, which is acidic and polar, with glycine, which is neutral and non-polar, at codon 4705 of the PCLO protein (p.Asp4705Gly). This variant is not present in population databases (gnomAD no frequency). This variant has not been reported in the literature in individuals affected with PCLO-related conditions. Algorithms developed to predict the effect of missense changes on protein structure and function are either unavailable or do not agree on the potential impact of this missense change (SIFT: "Deleterious"; PolyPhen-2: "Not Available"; Align-GVGD: "Class C0"). In summary, the available evidence is currently insufficient to determine the role of this variant in disease. Therefore, it has been classified as a Variant of Uncertain Significance.